The following is an entry in ClinVar:

NM_006005.3(WFS1):c.1282C>G (p.Pro428Ala)

Gene: WFS1 (wolframin ER transmembrane glycoprotein; plus strand). Cytogenetic location: 4p16.1.
Variant type: single nucleotide variant.
Coding change: c.1282C>G on transcript NM_006005.3 (MANE Select); coding-DNA position 1282, C replaced by G.
Protein change: p.Pro428Ala; replaces proline 428 with alanine.
Molecular consequence: missense variant.
Genome position (GRCh38, 1-based): chr4:6,301,077, C>G. VCF-style: chr4-6301077-C-G. GRCh37 (hg19) VCF-style: chr4-6302804-C-G.
Other names: c.1282C>G, p.Pro428Ala (NM_001145853.1); short protein forms P428A.
Identifiers: ClinVar variation 1440151 (VCV001440151.6), dbSNP rs2109125649, ClinGen allele CA356174602.
Genomic context (GRCh38, chr4:6,301,077, plus strand): 5'-TTCCTGCTCTCTGTCTTCTTCGTCATCTTCTCCTTCCCCATCGCCAGCAAGGACTGCATC[C>G]CCTGCTCGGAGCTGGCTGTCATCACCGGCTTCTTTACCGTGACCAGCTACCTGAGCCTGA-3'
Protein context (NP_005996.2, residues 418-438): SFPIASKDCI[Pro428Ala]CSELAVITGF

ClinVar aggregate classification (germline): Uncertain significance (1 of 4 stars; one submission).

Submission:

Labcorp Genetics (formerly Invitae), Labcorp
Classification: Uncertain significance. Last evaluated: 2022-03-02. Review status: criteria provided, single submitter. Criteria: Invitae Variant Classification Sherloc (09022015). Collection method: clinical testing. Allele origin: germline.
Comment: In summary, the available evidence is currently insufficient to determine the role of this variant in disease. Therefore, it has been classified as a Variant of Uncertain Significance. Advanced modeling of protein sequence and biophysical properties (such as structural, functional, and spatial information, amino acid conservation, physicochemical variation, residue mobility, and thermodynamic stability) performed at Invitae indicates that this missense variant is expected to disrupt WFS1 protein function. This variant has not been reported in the literature in individuals affected with WFS1-related conditions. This variant is not present in population databases (gnomAD no frequency). This sequence change replaces proline, which is neutral and non-polar, with alanine, which is neutral and non-polar, at codon 428 of the WFS1 protein (p.Pro428Ala).